The following is an entry in ClinVar:

NM_001387025.1(GRAMD1B):c.1390A>G (p.Ile464Val)

Gene: GRAMD1B (GRAM domain containing 1B; plus strand). Cytogenetic location: 11q24.1.
Variant type: single nucleotide variant.
Coding change: c.1390A>G on transcript NM_001387025.1 (MANE Select); coding-DNA position 1390, A replaced by G.
Protein change: p.Ile464Val; replaces isoleucine 464 with valine.
Molecular consequence: missense variant.
Genome position (GRCh38, 1-based): chr11:123,606,675, A>G. VCF-style: chr11-123606675-A-G. GRCh37 (hg19) VCF-style: chr11-123477383-A-G.
Other names: c.982A>G, p.Ile328Val (NM_001286563.3); c.841A>G, p.Ile281Val (NM_001286564.3, NM_001330396.3, NM_001387030.1 and 5 more transcripts); c.1042A>G, p.Ile348Val (NM_001367418.2, NM_001367419.2, NM_001367420.2); c.1258A>G, p.Ile420Val (NM_001367421.2); c.1390A>G, p.Ile464Val (NM_001387024.1); c.1387A>G, p.Ile463Val (NM_001387026.1); c.961A>G, p.Ile321Val (NM_001387028.1, NM_001387029.1, NM_020716.4); short protein forms I281V, I321V, I328V, I348V, I420V, I463V, I464V.
Identifiers: ClinVar variation 2642483 (VCV002642483.24), dbSNP rs191981781, ClinGen allele CA6333588.

ClinVar aggregate classification (germline): Likely benign (1 of 4 stars; one submission).

Allele frequency attached by ClinVar (database versions not stated): ESP Exome Variant Server 0.00057; TOPMed 0.00074; gnomAD 0.00088; gnomAD exomes 0.00099; 1000 Genomes Project 30x 0.00187; 1000 Genomes Project 0.00180; ExAC 0.00180.
gnomAD v4.1: 1,667 of 1,613,494 alleles (0.1%); highest among the groups gnomAD compares: Middle Eastern, 1.2%; 20 homozygotes.

Submission:

CeGaT Center for Human Genetics Tuebingen
Classification: Likely benign. Last evaluated: 2023-05-01. Review status: criteria provided, single submitter. Criteria: CeGaT Center For Human Genetics Tuebingen Variant Classification Criteria Version 2. Collection method: clinical testing. Allele origin: germline. Affected: yes. Observed: 2 variant alleles.
Comment: GRAMD1B: BP4, BS2